The following is an entry in ClinVar:

NM_016013.4(NDUFAF1):c.698C>T (p.Thr233Met)

Gene: NDUFAF1 (NADH:ubiquinone oxidoreductase complex assembly factor 1; minus strand). Cytogenetic location: 15q15.1.
Variant type: single nucleotide variant.
Coding change: c.698C>T on transcript NM_016013.4 (MANE Select); coding-DNA position 698, C replaced by T.
Protein change: p.Thr233Met; replaces threonine 233 with methionine.
Molecular consequence: missense variant. On other transcripts: non-coding transcript variant (1).
Genome position (GRCh38, 1-based): chr15:41,394,920, G>A on the plus strand (C>T on the coding strand, the complement: NDUFAF1 is on the minus strand). VCF-style: chr15-41394920-G-A. GRCh37 (hg19) VCF-style: chr15-41687118-G-A.
Other names: c.698C>T (NM_016013.2); short protein forms T233M.
Identifiers: ClinVar variation 1437594 (VCV001437594.6), dbSNP rs138419254, ClinGen allele CA7491277.
Genomic context (GRCh38, chr15:41,394,920, plus strand): 5'-TTGACCTCCTGCCAGTAGGGTCCCCCGCGGGTGAACATGAAGTAACTATACATCTGATTC[G>A]TCCTCTGGAAGAAATCTGTGTCCTCCTTGATATTCACCATCCAAGGCCGACCATCCCCAC-3'
Protein context (NP_057097.2, residues 223-243): IKEDTDFFQR[Thr233Met]NQMYSYFMFT

ClinVar aggregate classification (germline): Uncertain significance. Review status: criteria provided, multiple submitters, no conflicts (2 of 4 stars). 2 submissions from 2 submitters: Uncertain significance (2). Last evaluated 2024-01-03.

Allele frequency attached by ClinVar (database versions not stated): gnomAD exomes 0.00004 and 0.00010; ESP Exome Variant Server 0.00008; ExAC 0.00011; gnomAD 0.00011 and 0.00014; TOPMed 0.00011; 1000 Genomes Project 0.00040; 1000 Genomes Project 30x 0.00047.
gnomAD v4.1: 74 of 1,613,998 alleles (0.0046%); highest among the groups gnomAD compares: East Asian, 0.069%; no homozygotes.

Submissions (2):

Ambry Genetics
Classification: Uncertain significance. Last evaluated: 2024-01-03. Review status: criteria provided, single submitter. Criteria: Ambry Variant Classification Scheme 2023. Collection method: clinical testing. Allele origin: germline.

Labcorp Genetics (formerly Invitae), Labcorp
Classification: Uncertain significance. Last evaluated: 2022-06-28. Review status: criteria provided, single submitter. Criteria: Invitae Variant Classification Sherloc (09022015). Collection method: clinical testing. Allele origin: germline.
Comment: This sequence change replaces threonine, which is neutral and polar, with methionine, which is neutral and non-polar, at codon 233 of the NDUFAF1 protein (p.Thr233Met). This variant is present in population databases (rs138419254, gnomAD 0.07%), and has an allele count higher than expected for a pathogenic variant. This variant has not been reported in the literature in individuals affected with NDUFAF1-related conditions. Algorithms developed to predict the effect of missense changes on protein structure and function are either unavailable or do not agree on the potential impact of this missense change (SIFT: "Deleterious"; PolyPhen-2: "Possibly Damaging"; Align-GVGD: "Class C0"). In summary, the available evidence is currently insufficient to determine the role of this variant in disease. Therefore, it has been classified as a Variant of Uncertain Significance.